The following is an entry in ClinVar:

NM_017636.4(TRPM4):c.707A>G (p.Asp236Gly)

Gene: TRPM4 (transient receptor potential cation channel subfamily M member 4; plus strand). Cytogenetic location: 19q13.33.
Variant type: single nucleotide variant.
Coding change: c.707A>G on transcript NM_017636.4 (MANE Select); coding-DNA position 707, A replaced by G.
Protein change: p.Asp236Gly; replaces aspartic acid 236 with glycine.
Molecular consequence: missense variant. On other transcripts: 5 prime UTR variant (2).
Genome position (GRCh38, 1-based): chr19:49,168,647, A>G. VCF-style: chr19-49168647-A-G. GRCh37 (hg19) VCF-style: chr19-49671904-A-G.
Other names: c.707A>G, p.Asp236Gly (NM_001195227.2); c.362A>G, p.Asp121Gly (NM_001321281.2); c.-847A>G (NM_001321282.2); c.185A>G, p.Asp62Gly (NM_001321283.2); c.-143A>G (NM_001321285.2); c.707A>G (NM_017636.3); short protein forms D121G, D236G, D62G.
Identifiers: ClinVar variation 2047861 (VCV002047861.5), dbSNP rs543689956, ClinGen allele CA9568916.

ClinVar aggregate classification (germline): Uncertain significance. Review status: criteria provided, multiple submitters, no conflicts (2 of 4 stars). 2 submissions from 2 submitters: Uncertain significance (2). Last evaluated 2023-12-28.

Conditions:
Progressive familial heart block type IB (PFHB1B). Identifiers: Orphanet 871, MedGen C1970298, MONDO:0011474, OMIM 604559.
Cardiovascular phenotype. Identifiers: MedGen CN230736.

Allele frequency attached by ClinVar (database versions not stated): 1000 Genomes Project 0.00020; ExAC 0.00001; gnomAD 0.00002; 1000 Genomes Project 30x 0.00016; gnomAD exomes below 0.00001; TOPMed 0.00002.
gnomAD v4.1: 9 of 1,613,360 alleles (0.00056%); highest among the groups gnomAD compares: African/African-American, 0.011%; no homozygotes.

Submissions (2):

Ambry Genetics
Classification: Uncertain significance for Cardiovascular phenotype. Last evaluated: 2023-12-28. Review status: criteria provided, single submitter. Criteria: Ambry Variant Classification Scheme 2023. Collection method: clinical testing. Allele origin: germline.
Comment: The p.D236G variant (also known as c.707A>G), located in coding exon 6 of the TRPM4 gene, results from an A to G substitution at nucleotide position 707. The aspartic acid at codon 236 is replaced by glycine, an amino acid with similar properties. This amino acid position is highly conserved in available vertebrate species. In addition, the in silico prediction for this alteration is inconclusive. Since supporting evidence is limited at this time, the clinical significance of this alteration remains unclear.

Labcorp Genetics (formerly Invitae), Labcorp
Classification: Uncertain significance for Progressive familial heart block type IB. Last evaluated: 2023-03-30. Review status: criteria provided, single submitter. Criteria: Invitae Variant Classification Sherloc (09022015). Collection method: clinical testing. Allele origin: germline.
Comment: In summary, the available evidence is currently insufficient to determine the role of this variant in disease. Therefore, it has been classified as a Variant of Uncertain Significance. An algorithm developed to predict the effect of missense changes on protein structure and function (PolyPhen-2) suggests that this variant is likely to be tolerated. ClinVar contains an entry for this variant (Variation ID: 2047861). This variant has not been reported in the literature in individuals affected with TRPM4-related conditions. This variant is present in population databases (rs543689956, gnomAD 0.01%). This sequence change replaces aspartic acid, which is acidic and polar, with glycine, which is neutral and non-polar, at codon 236 of the TRPM4 protein (p.Asp236Gly).